The following is an entry in ClinVar:

ClinVar aggregate classification (germline): Uncertain significance. Review status: criteria provided, multiple submitters, no conflicts (2 of 4 stars). 2 submissions from 2 submitters: Uncertain significance (2). Last evaluated 2025-12-08.

gnomAD v4.1: 20 of 1,613,720 alleles (0.0012%); highest among the groups gnomAD compares: African/African-American, 0.017%; no homozygotes.

Submissions (2):

Labcorp Genetics (formerly Invitae), Labcorp
Classification: Uncertain significance. Last evaluated: 2025-12-08. Review status: criteria provided, single submitter. Criteria: Invitae Variant Classification Sherloc (09022015). Collection method: clinical testing. Allele origin: germline.
Comment: This sequence change replaces threonine, which is neutral and polar, with asparagine, which is neutral and polar, at codon 1643 of the SORL1 protein (p.Thr1643Asn). This variant is present in population databases (rs764585859, gnomAD 0.008%). This variant has not been reported in the literature in individuals affected with SORL1-related conditions. ClinVar contains an entry for this variant (Variation ID: 4171937). An algorithm developed to predict the effect of missense changes on protein structure and function outputs the following: PolyPhen-2: "Benign". The asparagine amino acid residue is found in multiple mammalian species, which suggests that this missense change does not adversely affect protein function. In summary, the available evidence is currently insufficient to determine the role of this variant in disease. Therefore, it has been classified as a Variant of Uncertain Significance.

Ambry Genetics
Classification: Uncertain significance. Last evaluated: 2025-08-13. Review status: criteria provided, single submitter. Criteria: Ambry Variant Classification Scheme 2023. Collection method: clinical testing. Allele origin: germline.

NM_003105.6(SORL1):c.4928C>A (p.Thr1643Asn)

Gene: SORL1 (sortilin related receptor 1; plus strand). Cytogenetic location: 11q24.1.
Variant type: single nucleotide variant.
Coding change: c.4928C>A on transcript NM_003105.6 (MANE Select); coding-DNA position 4928, C replaced by A.
Protein change: p.Thr1643Asn; replaces threonine 1643 with asparagine.
Molecular consequence: missense variant.
Genome position (GRCh38, 1-based): chr11:121,605,551, C>A. VCF-style: chr11-121605551-C-A. GRCh37 (hg19) VCF-style: chr11-121476260-C-A.
Other names: short protein forms T1643N.
Identifiers: ClinVar variation 4171937 (VCV004171937.2).